The following is an entry in ClinVar:

NM_004629.2(FANCG):c.835T>G (p.Trp279Gly)

Gene: FANCG (FA complementation group G; minus strand). Cytogenetic location: 9p13.3.
Variant type: single nucleotide variant.
Coding change: c.835T>G on transcript NM_004629.2 (MANE Select); coding-DNA position 835, T replaced by G.
Protein change: p.Trp279Gly; replaces tryptophan 279 with glycine.
Molecular consequence: missense variant.
Genome position (GRCh38, 1-based): chr9:35,076,813, A>C on the plus strand (T>G on the coding strand, the complement: FANCG is on the minus strand). VCF-style: chr9-35076813-A-C. GRCh37 (hg19) VCF-style: chr9-35076810-A-C.
Other names: short protein forms W279G.
Identifiers: ClinVar variation 1336044 (VCV001336044.5), dbSNP rs749604746, ClinGen allele CA5039929.

ClinVar aggregate classification (germline): Uncertain significance. Review status: criteria provided, multiple submitters, no conflicts (2 of 4 stars). 2 submissions from 2 submitters: Uncertain significance (2). Last evaluated 2024-05-17.

Conditions:
Fanconi anemia complementation group G. Also called: Fanconi anemia group G; FANCG-Related Fanconi Anemia. Identifiers: Orphanet 84, MedGen C3469527, MONDO:0013565, OMIM 614082.

Allele frequency attached by ClinVar (database versions not stated): gnomAD exomes below 0.00001; ExAC 0.00001; TOPMed 0.00001; gnomAD 0.00003.
gnomAD v4.1: 6 of 1,614,072 alleles (0.00037%); highest among the groups gnomAD compares: Non-Finnish European, 0.00051%; no homozygotes.

Submissions (2):

Fulgent Genetics
Classification: Uncertain significance for Fanconi anemia complementation group G. Last evaluated: 2024-05-17. Review status: criteria provided, single submitter. Criteria: ACMG Guidelines, 2015. Collection method: clinical testing. Allele origin: germline.

Genetic Services Laboratory, University of Chicago
Classification: Uncertain significance. Last evaluated: 2021-09-22. Review status: criteria provided, single submitter. Criteria: ACMG Guidelines, 2015. Collection method: clinical testing. Allele origin: germline. Affected: no.
Comment: This sequence change does not appear to have been previously described in patients with FANCG-related disorders and has been described in the gnomAD database with a low population frequency of 0.0023% in the non-Finnish European subpopulation (dbSNP rs749604746). The p.Trp279Gly change affects a poorly conserved amino acid residue located in a domain of the FANCG protein that is known to be functional. The p.Trp279Gly substitution appears to be benign using several in-silico pathogenicity prediction tools (SIFT, PolyPhen2, Align GVGD, REVEL). Due to this insufficient evidence and the lack of functional studies, the clinical significance of the p.Trp279Gly change remains unknown at this time.